The following is an entry in ClinVar:

NM_000059.4(BRCA2):c.8876A>G (p.Glu2959Gly)

Gene: BRCA2 (BRCA2 DNA repair associated; plus strand). Cytogenetic location: 13q13.1.
Variant type: single nucleotide variant.
Coding change: c.8876A>G on transcript NM_000059.4 (MANE Select); coding-DNA position 8876, A replaced by G.
Protein change: p.Glu2959Gly; replaces glutamic acid 2959 with glycine.
Molecular consequence: missense variant. On other transcripts: non-coding transcript variant (1).
Genome position (GRCh38, 1-based): chr13:32,379,438, A>G. VCF-style: chr13-32379438-A-G. GRCh37 (hg19) VCF-style: chr13-32953575-A-G.
Other names: c.8780A>G, p.Glu2927Gly (NM_001406719.1); c.8876A>G, p.Glu2959Gly (NM_001406720.1, NM_001432077.1); c.3944A>G, p.Glu1315Gly (NM_001406721.1); c.2459A>G, p.Glu820Gly (NM_001406722.1); short protein forms E1315G, E2927G, E2959G, E820G.
Identifiers: ClinVar variation 4532840 (VCV004532840.1).

ClinVar aggregate classification (germline): Uncertain significance (1 of 4 stars; one submission).

Submission:

Quest Diagnostics Nichols Institute San Juan Capistrano
Classification: Uncertain significance. Last evaluated: 2025-03-31. Review status: criteria provided, single submitter. Criteria: Quest Diagnostics criteria. Collection method: clinical testing. Allele origin: unknown.
Comment: The BRCA2 c.8876A>G (p.Glu2959Gly) variant has not been reported in individuals with BRCA2-related conditions in the published literature. It also has not been reported in large, multi-ethnic general populations (Genome Aggregation Database). Analysis of this variant using bioinformatics tools for the prediction of the effect of amino acid changes on protein structure and function yielded predictions that this variant is benign. Based on the available information, we are unable to determine the clinical significance of this variant.